The following is an entry in ClinVar:

ClinVar aggregate classification (germline): Likely benign (1 of 4 stars; one submission).

gnomAD v4.1: 234 of 1,613,854 alleles (0.014%); highest among the groups gnomAD compares: Admixed American, 0.14%; no homozygotes.

Submission:

Mayo Clinic Laboratories, Mayo Clinic
Classification: Likely benign. Last evaluated: 2024-10-29. Review status: criteria provided, single submitter. Criteria: ACMG Guidelines, 2015. Collection method: clinical testing. Allele origin: germline. Observed: 1 variant allele.
Comment: BP4, BP7

NM_015294.6(TRIM37):c.21+25T>C

Gene: TRIM37 (tripartite motif containing 37; minus strand). Cytogenetic location: 17q22.
Variant type: single nucleotide variant.
Coding change: c.21+25T>C on transcript NM_015294.6 (MANE Select); 25 bases into the intron after coding-DNA position 21, T replaced by C.
Molecular consequence: intron variant.
Genome position (GRCh38, 1-based): chr17:59,106,416, A>G on the plus strand (T>C on the coding strand, the complement: TRIM37 is on the minus strand). VCF-style: chr17-59106416-A-G. GRCh37 (hg19) VCF-style: chr17-57183777-A-G.
Other names: p.?; c.21+25T>C (NM_001320989.3, NM_001005207.5, NM_001320987.3 and 4 more transcripts); c.-252+25T>C (NM_001353085.2); c.-732+25T>C (NM_001353083.2); c.-422+25T>C (NM_001320990.3).
Identifiers: ClinVar variation 4684242 (VCV004684242.1).